The following is an entry in ClinVar:

ClinVar aggregate classification (germline): Uncertain significance (1 of 4 stars; one submission).

Conditions:
Primary dilated cardiomyopathy (DCM). Also called: Dilated Cardiomyopathy. Identifiers: Orphanet 217604, MedGen C0007193, MeSH D002311, MONDO:0005021, HP:0001644. Inheritance: Various modes of inheritance.

Submission:

Labcorp Genetics (formerly Invitae), Labcorp
Classification: Uncertain significance for Primary dilated cardiomyopathy. Last evaluated: 2025-01-19. Review status: criteria provided, single submitter. Criteria: Invitae Variant Classification Sherloc (09022015). Collection method: clinical testing. Allele origin: germline.
Comment: This sequence change replaces threonine, which is neutral and polar, with serine, which is neutral and polar, at codon 767 of the NEBL protein (p.Thr767Ser). This variant is not present in population databases (gnomAD no frequency). This variant has not been reported in the literature in individuals affected with NEBL-related conditions. An algorithm developed to predict the effect of missense changes on protein structure and function outputs the following: PolyPhen-2: "Probably Damaging". The serine amino acid residue is found in multiple mammalian species, which suggests that this missense change does not adversely affect protein function. In summary, the available evidence is currently insufficient to determine the role of this variant in disease. Therefore, it has been classified as a Variant of Uncertain Significance.

NM_006393.3(NEBL):c.2299A>T (p.Thr767Ser)

Gene: NEBL (nebulette; minus strand). Cytogenetic location: 10p12.31.
Variant type: single nucleotide variant.
Coding change: c.2299A>T on transcript NM_006393.3 (MANE Select); coding-DNA position 2299, A replaced by T.
Protein change: p.Thr767Ser; replaces threonine 767 with serine.
Molecular consequence: missense variant. On other transcripts: intron variant (9).
Genome position (GRCh38, 1-based): chr10:20,813,986, T>A on the plus strand (A>T on the coding strand, the complement: NEBL is on the minus strand). VCF-style: chr10-20813986-T-A. GRCh37 (hg19) VCF-style: chr10-21102915-T-A.
Other names: c.250-1046A>T (NM_001377326.1, NM_001377327.1, NM_001377328.1); c.358-1046A>T (NM_213569.2, NM_001173484.2, NM_001377322.1); c.301-1046A>T (NM_001377324.1); c.292-1046A>T (NM_001377325.1); c.310-1046A>T (NM_001377323.1); short protein forms T767S.
Identifiers: ClinVar variation 3687846 (VCV003687846.2).
Genomic context (GRCh38, chr10:20,813,986, plus strand): 5'-GGTTGGACCCTACCATTGAAATATGATTTTGTGCTTCTTTAACATGTCTCATAGCAGGTG[T>A]ATCTAAAATCAGACTTGGTCTACCTTTCATCTGTTTATGGTCCTGGGTATATTTTACCTG-3'
Protein context (NP_006384.1, residues 757-777): MKGRPSLILD[Thr767Ser]PAMRHVKEAQ